The following is an entry in ClinVar:

ClinVar aggregate classification (germline): Benign (0 of 4 stars; one submission).

Conditions:
FLG-related disorder. Also called: FLG-related disorders; FLG-related condition.

Allele frequency attached by ClinVar (database versions not stated): ExAC 0.03265; gnomAD 0.10111; TOPMed 0.11194; 1000 Genomes Project 0.11222; ESP Exome Variant Server 0.11549; 1000 Genomes Project 30x 0.12164.
gnomAD v4.1: 31,020 of 1,613,742 alleles (1.9%); highest among the groups gnomAD compares: African/African-American, 35%; 4,897 homozygotes.

Submission:

PreventionGenetics, part of Exact Sciences
Classification: Benign for FLG-related condition. Last evaluated: 2023-04-13. Review status: no assertion criteria provided. Collection method: clinical testing. Allele origin: germline.
Comment: This variant is classified as benign based on ACMG/AMP sequence variant interpretation guidelines (Richards et al. 2015 PMID: 25741868, with internal and published modifications).

NM_002016.2(FLG):c.2174C>T (p.Thr725Ile)

Genes: CCDST (cervical cancer associated DHX9 suppressive transcript; plus strand), FLG (filaggrin; minus strand). Cytogenetic location: 1q21.3.
Variant type: single nucleotide variant.
Coding change: c.2174C>T on transcript NM_002016.2 (MANE Select); coding-DNA position 2174, C replaced by T.
Protein change: p.Thr725Ile; replaces threonine 725 with isoleucine.
Molecular consequence: missense variant.
Genome position (GRCh38, 1-based): chr1:152,312,712, G>A on the plus strand (C>T on the coding strand, the complement: FLG is on the minus strand). VCF-style: chr1-152312712-G-A. GRCh37 (hg19) VCF-style: chr1-152285188-G-A.
Other names: short protein forms T725I.
Identifiers: ClinVar variation 3056412 (VCV003056412.2), dbSNP rs3120655, ClinGen allele CA1107306.